The following is an entry in ClinVar:

ClinVar aggregate classification (germline): Benign. Review status: criteria provided, multiple submitters, no conflicts (2 of 4 stars). 5 submissions from 5 submitters: Benign (2). 3 of the submissions do not count toward it. Last evaluated 2026-01-19.

Conditions:
Candidiasis, familial, 9 (CANDF9). Identifiers: Orphanet 1334, MedGen C4225324, MONDO:0014642, OMIM 616445.
IL17RC-related disorder. Also called: IL17RC-related condition.

Allele frequency attached by ClinVar (database versions not stated): gnomAD 0.00137; TOPMed 0.00153; ESP Exome Variant Server 0.00169; ExAC 0.00170.
gnomAD v4.1: 3,267 of 1,614,112 alleles (0.2%); highest among the groups gnomAD compares: Middle Eastern, 0.33%; 6 homozygotes.

Submissions (5):

Labcorp Genetics (formerly Invitae), Labcorp
Classification: Benign for Candidiasis, familial, 9. Last evaluated: 2026-01-19. Review status: criteria provided, single submitter. Criteria: Invitae Variant Classification Sherloc (09022015). Collection method: clinical testing. Allele origin: germline.

Breakthrough Genomics
Classification: Benign. Review status: criteria provided, single submitter. Criteria: ACMG Guidelines, 2015. Collection method: not provided. Allele origin: germline. Inheritance: Autosomal recessive inheritance. Affected: yes.

PreventionGenetics, part of Exact Sciences
Classification: Benign for IL17RC-related condition. Last evaluated: 2019-09-09. Review status: no assertion criteria provided. Collection method: clinical testing. Allele origin: germline. Not counted in ClinVar's aggregate classification.
Comment: This variant is classified as benign based on ACMG/AMP sequence variant interpretation guidelines (Richards et al. 2015 PMID: 25741868, with internal and published modifications).

Clinical Genetics DNA and cytogenetics Diagnostics Lab, Erasmus MC, Erasmus Medical Center
Classification: Likely benign. Review status: no assertion criteria provided. Collection method: clinical testing. Allele origin: germline. Affected: yes. Study: VKGL Data-share Consensus. Not counted in ClinVar's aggregate classification.

Genome Diagnostics Laboratory, University Medical Center Utrecht
Classification: Likely benign. Review status: no assertion criteria provided. Collection method: clinical testing. Allele origin: germline. Affected: yes. Study: VKGL Data-share Consensus. Not counted in ClinVar's aggregate classification.

NM_153460.4(IL17RC):c.823-4C>T

Gene: IL17RC (interleukin 17 receptor C; plus strand). Cytogenetic location: 3p25.3.
Variant type: single nucleotide variant.
Coding change: c.823-4C>T on transcript NM_153460.4 (MANE Select); 4 bases into the intron before coding-DNA position 823, C replaced by T.
Molecular consequence: intron variant.
Genome position (GRCh38, 1-based): chr3:9,928,162, C>T. VCF-style: chr3-9928162-C-T. GRCh37 (hg19) VCF-style: chr3-9969846-C-T.
Other names: c.1036-4C>T (NM_153461.4); c.823-4C>T (NM_001203263.2, NM_001203264.2); c.784-4C>T (NM_001367278.1); c.778-4C>T (NM_032732.6, NM_001367280.1, NM_001203265.2); c.703-4C>T (NM_001367279.1).
Identifiers: ClinVar variation 542540 (VCV000542540.15), dbSNP rs200220568, ClinGen allele CA2247011.